The following is an entry in ClinVar:

NM_022455.5(NSD1):c.3813G>T (p.Lys1271Asn)

Gene: NSD1 (nuclear receptor binding SET domain protein 1; plus strand). Cytogenetic location: 5q35.3.
Variant type: single nucleotide variant.
Coding change: c.3813G>T on transcript NM_022455.5 (MANE Select); coding-DNA position 3813, G replaced by T.
Protein change: p.Lys1271Asn; replaces lysine 1271 with asparagine.
Molecular consequence: missense variant.
Genome position (GRCh38, 1-based): chr5:177,235,837, G>T. VCF-style: chr5-177235837-G-T. GRCh37 (hg19) VCF-style: chr5-176662838-G-T.
Other names: c.2940G>T, p.Lys980Asn (NM_001365684.2, NM_001409306.1, NM_001409307.1 and 3 more transcripts); c.3813G>T, p.Lys1271Asn (NM_001409301.1, NM_001409302.1, NM_001409303.1); c.3393G>T, p.Lys1131Asn (NM_001409304.1); c.3060G>T, p.Lys1020Asn (NM_001409305.1); short protein forms K1020N, K1271N, K1002N, K1131N, K980N.
Identifiers: ClinVar variation 1989254 (VCV001989254.4), dbSNP rs757401535, ClinGen allele CA362337695.

ClinVar aggregate classification (germline): Uncertain significance (1 of 4 stars; one submission).

gnomAD v4.1: 4 of 1,613,984 alleles (0.00025%); highest among the groups gnomAD compares: South Asian, 0.0011%; no homozygotes.

Submission:

Labcorp Genetics (formerly Invitae), Labcorp
Classification: Uncertain significance. Last evaluated: 2022-06-02. Review status: criteria provided, single submitter. Criteria: Invitae Variant Classification Sherloc (09022015). Collection method: clinical testing. Allele origin: germline.
Comment: In summary, the available evidence is currently insufficient to determine the role of this variant in disease. Therefore, it has been classified as a Variant of Uncertain Significance. Advanced modeling of protein sequence and biophysical properties (such as structural, functional, and spatial information, amino acid conservation, physicochemical variation, residue mobility, and thermodynamic stability) performed at Invitae indicates that this missense variant is not expected to disrupt NSD1 protein function. This variant has not been reported in the literature in individuals affected with NSD1-related conditions. This variant is not present in population databases (gnomAD no frequency). This sequence change replaces lysine, which is basic and polar, with asparagine, which is neutral and polar, at codon 1271 of the NSD1 protein (p.Lys1271Asn).